The following is an entry in ClinVar:

NM_000238.4(KCNH2):c.680C>G (p.Pro227Arg)

Gene: KCNH2 (potassium voltage-gated channel subfamily H member 2; minus strand). Cytogenetic location: 7q36.1.
Variant type: single nucleotide variant.
Coding change: c.680C>G on transcript NM_000238.4 (MANE Select); coding-DNA position 680, C replaced by G.
Protein change: p.Pro227Arg; replaces proline 227 with arginine.
Molecular consequence: missense variant. On other transcripts: non-coding transcript variant (1).
Genome position (GRCh38, 1-based): chr7:150,958,295, G>C on the plus strand (C>G on the coding strand, the complement: KCNH2 is on the minus strand). VCF-style: chr7-150958295-G-C. GRCh37 (hg19) VCF-style: chr7-150655383-G-C.
Other names: c.680C>G, p.Pro227Arg (NM_172056.3); c.392C>G, p.Pro131Arg (NM_001406753.1, NM_001406756.1); c.503C>G, p.Pro168Arg (NM_001406755.1); c.380C>G, p.Pro127Arg (NM_001406757.1); short protein forms P127R, P227R, P168R, P131R.
Identifiers: ClinVar variation 2762141 (VCV002762141.3), dbSNP rs1254179611, ClinGen allele CA369862852.
Genomic context (GRCh38, chr7:150,958,295, plus strand): 5'-TGGCCGGGCGCGCTGCGGGGCGGAGAGCCGGGACCCACCAGCGCACGCCGCTCCTCCGCG[G>C]GCCCGAGCCCTGCCACGTGGTTGTCCATGGCTGTCACTTCGTCCAGGGCCAGCGACTCGC-3'
Protein context (NP_000229.1, residues 217-237): AMDNHVAGLG[Pro227Arg]AEERRALVGP

ClinVar aggregate classification (germline): Uncertain significance (1 of 4 stars; one submission).

Conditions:
Long QT syndrome (LQTS). Identifiers: MedGen C0023976, MeSH D008133, MONDO:0002442. Disease mechanism: loss of function. Inheritance: Various modes of inheritance.

Submission:

Labcorp Genetics (formerly Invitae), Labcorp
Classification: Uncertain significance for Long QT syndrome. Last evaluated: 2023-09-26. Review status: criteria provided, single submitter. Criteria: Invitae Variant Classification Sherloc (09022015). Collection method: clinical testing. Allele origin: germline.
Comment: This sequence change replaces proline, which is neutral and non-polar, with arginine, which is basic and polar, at codon 227 of the KCNH2 protein (p.Pro227Arg). This variant is not present in population databases (gnomAD no frequency). This variant has not been reported in the literature in individuals affected with KCNH2-related conditions. An algorithm developed to predict the effect of missense changes on protein structure and function (PolyPhen-2) suggests that this variant is likely to be tolerated. In summary, the available evidence is currently insufficient to determine the role of this variant in disease. Therefore, it has been classified as a Variant of Uncertain Significance.